The following is an entry in ClinVar:

ClinVar aggregate classification (germline): Uncertain significance (1 of 4 stars; one submission).

Submission:

Labcorp Genetics (formerly Invitae), Labcorp
Classification: Uncertain significance. Last evaluated: 2024-01-14. Review status: criteria provided, single submitter. Criteria: Invitae Variant Classification Sherloc (09022015). Collection method: clinical testing. Allele origin: germline.
Comment: This sequence change replaces valine, which is neutral and non-polar, with leucine, which is neutral and non-polar, at codon 169 of the EDNRA protein (p.Val169Leu). This variant is not present in population databases (gnomAD no frequency). This variant has not been reported in the literature in individuals affected with EDNRA-related conditions. Advanced modeling of protein sequence and biophysical properties (such as structural, functional, and spatial information, amino acid conservation, physicochemical variation, residue mobility, and thermodynamic stability) performed at Invitae indicates that this missense variant is not expected to disrupt EDNRA protein function with a negative predictive value of 80%. In summary, the available evidence is currently insufficient to determine the role of this variant in disease. Therefore, it has been classified as a Variant of Uncertain Significance.

NM_001957.4(EDNRA):c.505G>T (p.Val169Leu)

Gene: EDNRA (endothelin receptor type A; plus strand). Cytogenetic location: 4q31.23.
Variant type: single nucleotide variant.
Coding change: c.505G>T on transcript NM_001957.4 (MANE Select); coding-DNA position 505, G replaced by T.
Protein change: p.Val169Leu; replaces valine 169 with leucine.
Molecular consequence: missense variant. On other transcripts: non-coding transcript variant (3), intron variant (1).
Genome position (GRCh38, 1-based): chr4:147,519,935, G>T. VCF-style: chr4-147519935-G-T. GRCh37 (hg19) VCF-style: chr4-148441087-G-T.
Other names: c.505G>T, p.Val169Leu (NM_001354797.2); c.421-15942G>T (NM_001166055.2); short protein forms V169L.
Identifiers: ClinVar variation 2709408 (VCV002709408.3), dbSNP rs1311162653, ClinGen allele CA358421773.